The following is an entry in ClinVar:

ClinVar aggregate classification (germline): Uncertain significance (1 of 4 stars; one submission).

Conditions:
Leber congenital amaurosis 9 (LCA9). Also called: LCA9 Leber Congenital Amaurosis; LCA 9; Amaurosis congenita of Leber, type 9. Identifiers: Orphanet 65, MedGen C1837873, MONDO:0012056, OMIM 608553.

Submission:

Labcorp Genetics (formerly Invitae), Labcorp
Classification: Uncertain significance for Leber congenital amaurosis 9. Last evaluated: 2022-03-18. Review status: criteria provided, single submitter. Criteria: Invitae Variant Classification Sherloc (09022015). Collection method: clinical testing. Allele origin: germline.
Comment: In summary, the available evidence is currently insufficient to determine the role of this variant in disease. Therefore, it has been classified as a Variant of Uncertain Significance. Algorithms developed to predict the effect of missense changes on protein structure and function are either unavailable or do not agree on the potential impact of this missense change (SIFT: "Tolerated"; PolyPhen-2: "Possibly Damaging"; Align-GVGD: "Class C0"). This variant has not been reported in the literature in individuals affected with NMNAT1-related conditions. This variant is not present in population databases (gnomAD no frequency). This sequence change replaces isoleucine, which is neutral and non-polar, with threonine, which is neutral and polar, at codon 20 of the NMNAT1 protein (p.Ile20Thr).

NM_022787.4(NMNAT1):c.59T>C (p.Ile20Thr)

Gene: NMNAT1 (nicotinamide nucleotide adenylyltransferase 1; plus strand). Cytogenetic location: 1p36.22.
Variant type: single nucleotide variant.
Coding change: c.59T>C on transcript NM_022787.4 (MANE Select); coding-DNA position 59, T replaced by C.
Protein change: p.Ile20Thr; replaces isoleucine 20 with threonine.
Molecular consequence: missense variant.
Genome position (GRCh38, 1-based): chr1:9,972,132, T>C. VCF-style: chr1-9972132-T-C. GRCh37 (hg19) VCF-style: chr1-10032190-T-C.
Other names: c.59T>C, p.Ile20Thr (NM_001297778.1, NM_001297779.2); short protein forms I20T.
Identifiers: ClinVar variation 2113639 (VCV002113639.4), dbSNP rs761948762, ClinGen allele CA338683456.